The following is an entry in ClinVar:

ClinVar aggregate classification (germline): Uncertain significance (1 of 4 stars; one submission).

Conditions:
Arrhythmogenic right ventricular dysplasia 9 (ARVD9). Also called: Arrhythmogenic Right Ventricular Dysplasia/Cardiomyopathy 9; ARRHYTHMOGENIC RIGHT VENTRICULAR DYSPLASIA, FAMILIAL, 9. Identifiers: MedGen C1836906, MONDO:0012180, OMIM 609040.

Submission:

Labcorp Genetics (formerly Invitae), Labcorp
Classification: Uncertain significance for Arrhythmogenic right ventricular dysplasia 9. Last evaluated: 2026-01-20. Review status: criteria provided, single submitter. Criteria: Invitae Variant Classification Sherloc (09022015). Collection method: clinical testing. Allele origin: germline.
Comment: This sequence change replaces isoleucine, which is neutral and non-polar, with valine, which is neutral and non-polar, at codon 532 of the PKP2 protein (p.Ile532Val). This variant is not present in population databases (gnomAD no frequency). This variant has not been reported in the literature in individuals affected with PKP2-related conditions. An algorithm developed to predict the effect of missense changes on protein structure and function outputs the following: PolyPhen-2: "Benign". The valine amino acid residue is found in multiple mammalian species, which suggests that this missense change does not adversely affect protein function. In summary, the available evidence is currently insufficient to determine the role of this variant in disease. Therefore, it has been classified as a Variant of Uncertain Significance.

NM_001005242.3(PKP2):c.1462A>G (p.Ile488Val)

Gene: PKP2 (plakophilin 2; minus strand). Cytogenetic location: 12p11.21.
Variant type: single nucleotide variant.
Coding change: c.1462A>G on transcript NM_001005242.3 (MANE Select); coding-DNA position 1462, A replaced by G.
Protein change: p.Ile488Val; replaces isoleucine 488 with valine.
Molecular consequence: missense variant.
Genome position (GRCh38, 1-based): chr12:32,841,122, T>C on the plus strand (A>G on the coding strand, the complement: PKP2 is on the minus strand). VCF-style: chr12-32841122-T-C. GRCh37 (hg19) VCF-style: chr12-32994056-T-C.
Other names: c.1462A>G, p.Ile488Val (NM_001407155.1, NM_001407156.1, NM_001407161.1); c.1594A>G, p.Ile532Val (NM_001407157.1, NM_004572.4); c.1135A>G, p.Ile379Val (NM_001407158.1, NM_001407159.1, NM_001407160.1 and 1 more transcripts); short protein forms I379V, I488V, I532V.
Identifiers: ClinVar variation 4738166 (VCV004738166.1).